The following is an entry in ClinVar:

ClinVar aggregate classification (germline): Uncertain significance. Review status: criteria provided, multiple submitters, no conflicts (2 of 4 stars). 3 submissions from 3 submitters: Uncertain significance (3). Last evaluated 2026-08-31.

Conditions:
Inborn genetic diseases. Identifiers: MedGen C0950123, MeSH D030342.

Submissions (3):

Ambry Genetics
Classification: Uncertain significance for Inborn genetic diseases. Last evaluated: 2026-08-31. Review status: criteria provided, single submitter. Criteria: Ambry Variant Classification Scheme 2023. Collection method: clinical testing. Allele origin: germline.

Labcorp Genetics (formerly Invitae), Labcorp
Classification: Uncertain significance. Last evaluated: 2023-12-19. Review status: criteria provided, single submitter. Criteria: Invitae Variant Classification Sherloc (09022015). Collection method: clinical testing. Allele origin: germline.
Comment: This sequence change replaces proline, which is neutral and non-polar, with threonine, which is neutral and polar, at codon 1751 of the MYO7A protein (p.Pro1751Thr). This variant is not present in population databases (gnomAD no frequency). This variant has not been reported in the literature in individuals affected with MYO7A-related conditions. ClinVar contains an entry for this variant (Variation ID: 1309834). Advanced modeling of protein sequence and biophysical properties (such as structural, functional, and spatial information, amino acid conservation, physicochemical variation, residue mobility, and thermodynamic stability) performed at Invitae indicates that this missense variant is not expected to disrupt MYO7A protein function with a negative predictive value of 95%. In summary, the available evidence is currently insufficient to determine the role of this variant in disease. Therefore, it has been classified as a Variant of Uncertain Significance.

GeneDx
Classification: Uncertain significance. Last evaluated: 2021-07-02. Review status: criteria provided, single submitter. Criteria: GeneDx Variant Classification Process June 2021. Collection method: clinical testing. Allele origin: germline. Affected: yes.
Comment: Not observed in large population cohorts (Lek et al., 2016); In silico analysis, which includes protein predictors and evolutionary conservation, supports a deleterious effect; Has not been previously published as pathogenic or benign to our knowledge; This variant is associated with the following publications: (PMID: 27535533)

NM_000260.4(MYO7A):c.5251C>A (p.Pro1751Thr)

Gene: MYO7A (myosin VIIA; plus strand). Cytogenetic location: 11q13.5.
Variant type: single nucleotide variant.
Coding change: c.5251C>A on transcript NM_000260.4 (MANE Select); coding-DNA position 5251, C replaced by A.
Protein change: p.Pro1751Thr; replaces proline 1751 with threonine.
Molecular consequence: missense variant.
Genome position (GRCh38, 1-based): chr11:77,203,142, C>A. VCF-style: chr11-77203142-C-A. GRCh37 (hg19) VCF-style: chr11-76914187-C-A.
Other names: c.5137C>A, p.Pro1713Thr (NM_001127180.2); c.5104C>A, p.Pro1702Thr (NM_001369365.1); short protein forms P1702T, P1713T, P1751T.
Identifiers: ClinVar variation 1309834 (VCV001309834.6), dbSNP rs1591475302, ClinGen allele CA381952249.